The following is an entry in ClinVar:

ClinVar aggregate classification (germline): Uncertain significance (1 of 4 stars; one submission).

gnomAD v4.1: 9 of 1,613,866 alleles (0.00056%); highest among the groups gnomAD compares: Non-Finnish European, 0.00076%; no homozygotes.

Submission:

GeneDx
Classification: Uncertain significance. Last evaluated: 2025-10-07. Review status: criteria provided, single submitter. Criteria: GeneDx Variant Classification Process June 2021. Collection method: clinical testing. Allele origin: germline.
Comment: Not observed at significant frequency in large population cohorts (gnomAD); In silico analysis supports that this missense variant has a deleterious effect on protein structure/function; Has not been previously published as pathogenic or benign to our knowledge; This variant is associated with the following publications: (PMID: 10835628, 11114740)

NM_182925.5(FLT4):c.3205G>C (p.Val1069Leu)

Gene: FLT4 (fms related receptor tyrosine kinase 4; minus strand). Cytogenetic location: 5q35.3.
Variant type: single nucleotide variant.
Coding change: c.3205G>C on transcript NM_182925.5 (MANE Select); coding-DNA position 3205, G replaced by C.
Protein change: p.Val1069Leu; replaces valine 1069 with leucine.
Molecular consequence: missense variant.
Genome position (GRCh38, 1-based): chr5:180,616,381, C>G on the plus strand (G>C on the coding strand, the complement: FLT4 is on the minus strand). VCF-style: chr5-180616381-C-G. GRCh37 (hg19) VCF-style: chr5-180043381-C-G.
Other names: c.3205G>C, p.Val1069Leu (NM_001354989.2, NM_002020.5); short protein forms V1069L.
Identifiers: ClinVar variation 3368423 (VCV003368423.2).
Genomic context (GRCh38, chr5:180,616,381, plus strand): 5'-CACCTGTTCCGCCCCACGTTCCCTCTCCTCAATGGCCTGCACTCACACTGCCCTTGCGGA[C>G]GTAGTCGGGGTCTTTGTAGATGTCCCGGGCAAGGCCAAAGTCACAGATCTTCACCACGTC-3'
Protein context (NP_891555.2, residues 1059-1079): ARDIYKDPDY[Val1069Leu]RKGSARLPLK